The following is an entry in ClinVar:

ClinVar aggregate classification (germline): Uncertain significance (1 of 4 stars; one submission).

gnomAD v4.1: 3 of 1,553,430 alleles (0.00019%); highest among the groups gnomAD compares: South Asian, 0.0012%; no homozygotes.

Submission:

GeneDx
Classification: Uncertain significance. Last evaluated: 2025-05-20. Review status: criteria provided, single submitter. Criteria: GeneDx Variant Classification Process June 2021. Collection method: clinical testing. Allele origin: germline. Affected: yes.
Comment: Not observed at significant frequency in large population cohorts (gnomAD); In silico analysis suggests that this missense variant does not alter protein structure/function; Has not been previously published as pathogenic or benign to our knowledge

NM_001379180.1(ESRRB):c.*1586G>A

Gene: ESRRB (estrogen related receptor beta; plus strand). Cytogenetic location: 14q24.3.
Variant type: single nucleotide variant.
Coding change: c.*1586G>A on transcript NM_001379180.1 (MANE Select); 1586 bases downstream of the stop codon, G replaced by A.
Molecular consequence: 3 prime UTR variant. On other transcripts: missense variant (1).
Genome position (GRCh38, 1-based): chr14:76,500,044, G>A. VCF-style: chr14-76500044-G-A. GRCh37 (hg19) VCF-style: chr14-76966387-G-A.
Other names: c.*1586G>A (NM_001411038.1); c.1478G>A, p.Ser493Asn (NM_004452.4); short protein forms S493N.
Identifiers: ClinVar variation 4530867 (VCV004530867.1).